The following is an entry in ClinVar:

NM_005862.3(STAG1):c.297+3A>G

Gene: STAG1 (STAG1 cohesin complex component; minus strand). Cytogenetic location: 3q22.3.
Variant type: single nucleotide variant.
Coding change: c.297+3A>G on transcript NM_005862.3 (MANE Select); 3 bases into the intron after coding-DNA position 297, A replaced by G.
Molecular consequence: intron variant.
Genome position (GRCh38, 1-based): chr3:136,604,306, T>C on the plus strand (A>G on the coding strand, the complement: STAG1 is on the minus strand). VCF-style: chr3-136604306-T-C. GRCh37 (hg19) VCF-style: chr3-136323148-T-C.
Identifiers: ClinVar variation 4770792 (VCV004770792.1).

ClinVar aggregate classification (germline): Uncertain significance (1 of 4 stars; one submission).

gnomAD v4.1: 1 of 1,601,794 alleles (0.000062%); highest among the groups gnomAD compares: South Asian, 0.0011%; no homozygotes.

Submission:

Labcorp Genetics (formerly Invitae), Labcorp
Classification: Uncertain significance. Last evaluated: 2025-04-22. Review status: criteria provided, single submitter. Criteria: Invitae Variant Classification Sherloc (09022015). Collection method: clinical testing. Allele origin: germline.
Comment: This sequence change falls in intron 4 of the STAG1 gene. It does not directly change the encoded amino acid sequence of the STAG1 protein. It affects a nucleotide within the consensus splice site. This variant is not present in population databases (gnomAD no frequency). This variant has not been reported in the literature in individuals affected with STAG1-related conditions. Variants that disrupt the consensus splice site are a relatively common cause of aberrant splicing (PMID: 17576681, 9536098). Algorithms developed to predict the effect of sequence changes on RNA splicing suggest that this variant is not likely to affect RNA splicing. In summary, the available evidence is currently insufficient to determine the role of this variant in disease. Therefore, it has been classified as a Variant of Uncertain Significance.

Literature cited by the submitters: PubMed 17576681; PubMed 9536098.